The following is an entry in ClinVar:

NM_017755.6(NSUN2):c.439C>T (p.Gln147Ter)

Gene: NSUN2 (NOP2/Sun RNA methyltransferase 2; minus strand). Cytogenetic location: 5p15.31.
Variant type: single nucleotide variant.
Coding change: c.439C>T on transcript NM_017755.6 (MANE Select); coding-DNA position 439, C replaced by T.
Protein change: p.Gln147Ter; replaces glutamine 147 with a stop codon.
Molecular consequence: nonsense. On other transcripts: non-coding transcript variant (1).
Genome position (GRCh38, 1-based): chr5:6,625,590, G>A on the plus strand (C>T on the coding strand, the complement: NSUN2 is on the minus strand). VCF-style: chr5-6625590-G-A. GRCh37 (hg19) VCF-style: chr5-6625703-G-A.
Other names: c.334C>T, p.Gln112Ter (NM_001193455.2); short protein forms Q112*, Q147*.
Identifiers: ClinVar variation 4710618 (VCV004710618.1).

ClinVar aggregate classification (germline): Pathogenic (1 of 4 stars; one submission).

gnomAD v4.1: 1 of 1,614,002 alleles (0.000062%); highest among the groups gnomAD compares: South Asian, 0.0011%; no homozygotes.

Submission:

Labcorp Genetics (formerly Invitae), Labcorp
Classification: Pathogenic. Last evaluated: 2025-10-03. Review status: criteria provided, single submitter. Criteria: Invitae Variant Classification Sherloc (09022015). Collection method: clinical testing. Allele origin: germline.
Comment: This sequence change creates a premature translational stop signal (p.Gln147*) in the NSUN2 gene. It is expected to result in an absent or disrupted protein product. Loss-of-function variants in NSUN2 are known to be pathogenic (PMID: 22541559, 22577224). This variant is not present in population databases (gnomAD no frequency). This variant has not been reported in the literature in individuals affected with NSUN2-related conditions. Algorithms developed to predict the effect of sequence changes on RNA splicing suggest that this variant may disrupt the consensus splice site. For these reasons, this variant has been classified as Pathogenic.

Literature cited by the submitters: PubMed 22541559; PubMed 22577224.